The following is an entry in ClinVar:

NM_000136.3(FANCC):c.1253C>T (p.Pro418Leu)

Genes: AOPEP (aminopeptidase O (putative); plus strand), FANCC (FA complementation group C; minus strand). Cytogenetic location: 9q22.32.
Variant type: single nucleotide variant.
Coding change: c.1253C>T on transcript NM_000136.3 (MANE Select); coding-DNA position 1253, C replaced by T.
Protein change: p.Pro418Leu; replaces proline 418 with leucine.
Molecular consequence: missense variant.
Genome position (GRCh38, 1-based): chr9:95,111,539, G>A on the plus strand (C>T on the coding strand, the complement: FANCC is on the minus strand). VCF-style: chr9-95111539-G-A. GRCh37 (hg19) VCF-style: chr9-97873821-G-A.
Other names: c.1253C>T, p.Pro418Leu (NM_001243743.2, NM_001243744.2); short protein forms P418L.
Identifiers: ClinVar variation 3277629 (VCV003277629.1).

ClinVar aggregate classification (germline): Uncertain significance (1 of 4 stars; one submission).

Conditions:
Hereditary cancer-predisposing syndrome. Also called: Tumor predisposition; Hereditary Cancer Syndrome; Hereditary neoplastic syndrome; Neoplastic Syndromes, Hereditary. Identifiers: Orphanet 140162, MedGen C0027672, MeSH D009386, MONDO:0015356.

gnomAD v4.1: 3 of 1,614,164 alleles (0.00019%); highest among the groups gnomAD compares: Admixed American, 0.0017%; no homozygotes.

Submission:

Ambry Genetics
Classification: Uncertain significance for Hereditary cancer-predisposing syndrome. Last evaluated: 2024-03-30. Review status: criteria provided, single submitter. Criteria: Ambry Variant Classification Scheme 2023. Collection method: clinical testing. Allele origin: germline.
Comment: The p.P418L variant (also known as c.1253C>T), located in coding exon 12 of the FANCC gene, results from a C to T substitution at nucleotide position 1253. The proline at codon 418 is replaced by leucine, an amino acid with similar properties. This amino acid position is conserved. In addition, this alteration is predicted to be tolerated by in silico analysis. Based on the available evidence, the clinical significance of this alteration remains unclear.